The following is an entry in ClinVar:

ClinVar aggregate classification (germline): Uncertain significance (1 of 4 stars; one submission).

Conditions:
Charcot-Marie-Tooth disease axonal type 2O. Also called: CHARCOT-MARIE-TOOTH NEUROPATHY, AXONAL, TYPE 2O; CHARCOT-MARIE-TOOTH DISEASE, AXONAL, AUTOSOMAL DOMINANT, TYPE 2O; Charcot-Marie-Tooth Neuropathy Type 2O; Charcot-Marie-Tooth disease, axonal, type 20. Identifiers: Orphanet 284232, MedGen C3280220, MONDO:0013644, OMIM 614228.

Submission:

Labcorp Genetics (formerly Invitae), Labcorp
Classification: Uncertain significance for Charcot-Marie-Tooth disease axonal type 2O. Last evaluated: 2023-06-14. Review status: criteria provided, single submitter. Criteria: Invitae Variant Classification Sherloc (09022015). Collection method: clinical testing. Allele origin: germline.
Comment: This variant has not been reported in the literature in individuals affected with DYNC1H1-related conditions. In summary, the available evidence is currently insufficient to determine the role of this variant in disease. Therefore, it has been classified as a Variant of Uncertain Significance. Advanced modeling of protein sequence and biophysical properties (such as structural, functional, and spatial information, amino acid conservation, physicochemical variation, residue mobility, and thermodynamic stability) performed at Invitae indicates that this missense variant is expected to disrupt DYNC1H1 protein function. This variant is not present in population databases (gnomAD no frequency). This sequence change replaces aspartic acid, which is acidic and polar, with valine, which is neutral and non-polar, at codon 516 of the DYNC1H1 protein (p.Asp516Val).

NM_001376.5(DYNC1H1):c.1547A>T (p.Asp516Val)

Gene: DYNC1H1 (dynein cytoplasmic 1 heavy chain 1; plus strand). Cytogenetic location: 14q32.31.
Variant type: single nucleotide variant.
Coding change: c.1547A>T on transcript NM_001376.5 (MANE Select); coding-DNA position 1547, A replaced by T.
Protein change: p.Asp516Val; replaces aspartic acid 516 with valine.
Molecular consequence: missense variant.
Genome position (GRCh38, 1-based): chr14:101,985,772, A>T. VCF-style: chr14-101985772-A-T. GRCh37 (hg19) VCF-style: chr14-102452109-A-T.
Other names: short protein forms D516V.
Identifiers: ClinVar variation 2714271 (VCV002714271.3), dbSNP rs2503693207, ClinGen allele CA391018273.